The following is an entry in ClinVar:

ClinVar aggregate classification (germline): Pathogenic (1 of 4 stars; one submission).

Conditions:
Familial hemophagocytic lymphohistiocytosis 3 (FHL3). Also called: UNC13D-Related Familial Hemophagocytic Lymphohistiocytosis (UNC13D-fHLH). Identifiers: Orphanet 540, MedGen C1837174, MONDO:0012146, OMIM 608898.

Allele frequency attached by ClinVar (database versions not stated): gnomAD exomes below 0.00001.

Submission:

Labcorp Genetics (formerly Invitae), Labcorp
Classification: Pathogenic for Familial hemophagocytic lymphohistiocytosis 3. Last evaluated: 2024-02-06. Review status: criteria provided, single submitter. Criteria: Invitae Variant Classification Sherloc (09022015). Collection method: clinical testing. Allele origin: germline.
Comment: This sequence change creates a premature translational stop signal (p.Pro1021Valfs*6) in the UNC13D gene. It is expected to result in an absent or disrupted protein product. Loss-of-function variants in UNC13D are known to be pathogenic (PMID: 14622600). This variant is not present in population databases (gnomAD no frequency). This variant has not been reported in the literature in individuals affected with UNC13D-related conditions. Algorithms developed to predict the effect of sequence changes on RNA splicing suggest that this variant may disrupt the consensus splice site. For these reasons, this variant has been classified as Pathogenic.

Literature cited by the submitters: PubMed 14622600.

NM_199242.3(UNC13D):c.3061_3067del (p.Pro1021fs)

Gene: UNC13D (unc-13 homolog D; minus strand). Cytogenetic location: 17q25.1.
Variant type: Deletion.
Coding change: c.3061_3067del on transcript NM_199242.3 (MANE Select); coding-DNA positions 3061 to 3067, 7 bases deleted (CCGCTGC; older notation c.3061_3067delCCGCTGC).
Protein change: p.Pro1021fs; shifts the reading frame from proline 1021.
Molecular consequence: frameshift variant.
Genome position (GRCh38, 1-based): chr17:75,828,871-75,828,877, GCAGCGG deleted on the plus strand (CCGCTGC on the coding strand, the reverse complement: UNC13D is on the minus strand). VCF-style (leftmost placement, unchanged base first): chr17-75828870-CGCAGCGG-C. GRCh37 (hg19) VCF-style: chr17-73824951-CGCAGCGG-C.
Other names: short protein forms P1021fs.
Identifiers: ClinVar variation 2842512 (VCV002842512.3), dbSNP rs2545975129, ClinGen allele CA2639895226.
Genomic context (GRCh38, chr17:75,828,870, plus strand): 5'-GGCAGGCGGGTCTGAGGCACCTCACCAGGCTCCTCAGAGCCACTCAGCCCGGGCACCTCA[CGCAGCGG>C]CAGGAAGGCCTCGCCTTCCAGGTCGTCGGCCCCCAGCGTGTCGTAGTCCAGCACGGTGAG-3'